The following is an entry in ClinVar:

NM_031935.3(HMCN1):c.6031G>T (p.Ala2011Ser)

Gene: HMCN1 (hemicentin 1; plus strand). Cytogenetic location: 1q31.1.
Variant type: single nucleotide variant.
Coding change: c.6031G>T on transcript NM_031935.3 (MANE Select); coding-DNA position 6031, G replaced by T.
Protein change: p.Ala2011Ser; replaces alanine 2011 with serine.
Molecular consequence: missense variant.
Genome position (GRCh38, 1-based): chr1:186,039,730, G>T. VCF-style: chr1-186039730-G-T. GRCh37 (hg19) VCF-style: chr1-186008862-G-T.
Other names: short protein forms A2011S.
Identifiers: ClinVar variation 4777986 (VCV004777986.1).

ClinVar aggregate classification (germline): Uncertain significance (1 of 4 stars; one submission).

Submission:

Labcorp Genetics (formerly Invitae), Labcorp
Classification: Uncertain significance. Last evaluated: 2025-08-07. Review status: criteria provided, single submitter. Criteria: Invitae Variant Classification Sherloc (09022015). Collection method: clinical testing. Allele origin: germline.
Comment: This sequence change replaces alanine, which is neutral and non-polar, with serine, which is neutral and polar, at codon 2011 of the HMCN1 protein (p.Ala2011Ser). This variant is not present in population databases (gnomAD no frequency). This variant has not been reported in the literature in individuals affected with HMCN1-related conditions. An algorithm developed to predict the effect of missense changes on protein structure and function (PolyPhen-2) suggests that this variant is likely to be tolerated. In summary, the available evidence is currently insufficient to determine the role of this variant in disease. Therefore, it has been classified as a Variant of Uncertain Significance.